The following is an entry in ClinVar:

ClinVar aggregate classification (germline): Uncertain significance. Review status: criteria provided, multiple submitters, no conflicts (2 of 4 stars). 6 submissions from 6 submitters: Uncertain significance (6). Last evaluated 2026-01-18.

Conditions:
AXIN2-related disorder.
Colorectal cancer. Also called: Colorectal cancer, somatic; Malignant Colorectal Neoplasm. Identifiers: MedGen C0346629, MONDO:0005575, OMIM 114500.
Hereditary cancer-predisposing syndrome. Also called: Neoplastic Syndromes, Hereditary; Hereditary neoplastic syndrome; Hereditary Cancer Syndrome; Tumor predisposition. Identifiers: Orphanet 140162, MedGen C0027672, MeSH D009386, MONDO:0015356.
Oligodontia-cancer predisposition syndrome. Also called: TOOTH AGENESIS-COLORECTAL CANCER SYNDROME. Identifiers: Orphanet 300576, MedGen C1837750, MONDO:0012075, OMIM 608615. Disease mechanism: loss of function.

Allele frequency attached by ClinVar (database versions not stated): TOPMed below 0.00001.

Submissions (6):

Labcorp Genetics (formerly Invitae), Labcorp
Classification: Uncertain significance for Oligodontia-cancer predisposition syndrome. Last evaluated: 2026-01-18. Review status: criteria provided, single submitter. Criteria: Invitae Variant Classification Sherloc (09022015). Collection method: clinical testing. Allele origin: germline.
Comment: This sequence change replaces arginine, which is basic and polar, with tryptophan, which is neutral and slightly polar, at codon 538 of the AXIN2 protein (p.Arg538Trp). This variant is present in population databases (rs761539571, gnomAD 0.002%). This variant has not been reported in the literature in individuals affected with AXIN2-related conditions. ClinVar contains an entry for this variant (Variation ID: 239993). Invitae Evidence Modeling of protein sequence and biophysical properties (such as structural, functional, and spatial information, amino acid conservation, physicochemical variation, residue mobility, and thermodynamic stability) indicates that this missense variant is expected to disrupt AXIN2 protein function with a positive predictive value of 80%. In summary, the available evidence is currently insufficient to determine the role of this variant in disease. Therefore, it has been classified as a Variant of Uncertain Significance.

PreventionGenetics, part of Exact Sciences
Classification: Uncertain significance for AXIN2-related condition. Last evaluated: 2025-10-11. Review status: criteria provided, single submitter. Criteria: ACMG Guidelines, 2015. Collection method: clinical testing. Allele origin: germline.
Comment: The AXIN2 c.1612C>T variant is predicted to result in the amino acid substitution p.Arg538Trp. To our knowledge, this variant has not been reported in the literature. This variant is reported in 0.0026% of alleles in individuals of European (Non-Finnish) descent in gnomAD. This variant has an interpretation of uncertain significance in ClinVar (Variation ID: 239993). At this time, the clinical significance of this variant is uncertain due to the absence of conclusive functional and genetic evidence.

Ambry Genetics
Classification: Uncertain significance for Hereditary cancer-predisposing syndrome. Last evaluated: 2025-07-13. Review status: criteria provided, single submitter. Criteria: Ambry Variant Classification Scheme 2023. Collection method: clinical testing. Allele origin: germline.
Comment: The p.R538W variant (also known as c.1612C>T), located in coding exon 5 of the AXIN2 gene, results from a C to T substitution at nucleotide position 1612. The arginine at codon 538 is replaced by tryptophan, an amino acid with dissimilar properties. This amino acid position is highly conserved in available vertebrate species. In addition, the in silico prediction for this alteration is inconclusive. Since supporting evidence is limited at this time, the clinical significance of this alteration remains unclear.

Baylor Genetics
Classification: Uncertain significance for Colorectal cancer. Last evaluated: 2024-02-03. Review status: criteria provided, single submitter. Criteria: ACMG Guidelines, 2015. Collection method: clinical testing. Allele origin: unknown.

GeneDx
Classification: Uncertain significance. Last evaluated: 2024-01-29. Review status: criteria provided, single submitter. Criteria: GeneDx Variant Classification Process June 2021. Collection method: clinical testing. Allele origin: germline. Affected: yes.
Comment: Not observed at a significant frequency in large population cohorts (gnomAD); In silico analysis supports that this missense variant has a deleterious effect on protein structure/function; Has not been previously published as pathogenic or benign to our knowledge; This variant is associated with the following publications: (PMID: 26325560, 24755471)

Sema4
Classification: Uncertain significance for Hereditary cancer-predisposing syndrome. Last evaluated: 2021-09-28. Review status: criteria provided, single submitter. Criteria: Sema4 Curation Guidelines. Collection method: curation. Allele origin: germline.
Comment: To the best of our knowledge, the AXIN2 c.1612C>T (p.R538W) variant has not been reported in the germline of individuals with AXIN2-related disease. It was observed in 3/113660 chromosomes of the Non-Finnish European subpopulation in the large and broad cohorts of the Genome Aggregation Database (PMID: 32461654). This variant has been reported in ClinVar (Variation ID: 239993). Functional studies have not been performed, and in silico predictions of the variant's effect on protein function are inconclusive. The evidence is insufficient to meet ACMG/AMP criteria for classifying the variant as benign or pathogenic. Thus, the clinical significance of this variant is currently uncertain.

NM_004655.4(AXIN2):c.1612C>T (p.Arg538Trp)

Gene: AXIN2 (axin 2; minus strand). Cytogenetic location: 17q24.1.
Variant type: single nucleotide variant.
Coding change: c.1612C>T on transcript NM_004655.4 (MANE Select); coding-DNA position 1612, C replaced by T.
Protein change: p.Arg538Trp; replaces arginine 538 with tryptophan.
Molecular consequence: missense variant.
Genome position (GRCh38, 1-based): chr17:65,537,424, G>A on the plus strand (C>T on the coding strand, the complement: AXIN2 is on the minus strand). VCF-style: chr17-65537424-G-A. GRCh37 (hg19) VCF-style: chr17-63533542-G-A.
Other names: c.1612C>T (LRG_296t1); c.1612C>T, p.Arg538Trp (NM_001363813.1); short protein forms R538W.
Identifiers: ClinVar variation 239993 (VCV000239993.20), dbSNP rs761539571, ClinGen allele CA8718601.